The following is an entry in ClinVar:

NM_004360.5(CDH1):c.2504A>C (p.Tyr835Ser)

Gene: CDH1 (cadherin 1; plus strand). Cytogenetic location: 16q22.1.
Variant type: single nucleotide variant.
Coding change: c.2504A>C on transcript NM_004360.5 (MANE Select); coding-DNA position 2504, A replaced by C.
Protein change: p.Tyr835Ser; replaces tyrosine 835 with serine.
Molecular consequence: missense variant.
Genome position (GRCh38, 1-based): chr16:68,833,354, A>C. VCF-style: chr16-68833354-A-C. GRCh37 (hg19) VCF-style: chr16-68867257-A-C.
Other names: c.2321A>C, p.Tyr774Ser (NM_001317184.2); c.956A>C, p.Tyr319Ser (NM_001317185.2); c.539A>C, p.Tyr180Ser (NM_001317186.2); short protein forms Y180S, Y774S, Y319S, Y835S.
Identifiers: ClinVar variation 3265145 (VCV003265145.1).

ClinVar aggregate classification (germline): Uncertain significance (1 of 4 stars; one submission).

Conditions:
Hereditary cancer-predisposing syndrome. Also called: Hereditary Cancer Syndrome; Tumor predisposition; Hereditary neoplastic syndrome; Neoplastic Syndromes, Hereditary. Identifiers: Orphanet 140162, MedGen C0027672, MeSH D009386, MONDO:0015356.

Submission:

Ambry Genetics
Classification: Uncertain significance for Hereditary cancer-predisposing syndrome. Last evaluated: 2024-05-25. Review status: criteria provided, single submitter. Criteria: Ambry Variant Classification Scheme 2023. Collection method: clinical testing. Allele origin: germline.
Comment: The p.Y835S variant (also known as c.2504A>C), located in coding exon 16 of the CDH1 gene, results from an A to C substitution at nucleotide position 2504. The tyrosine at codon 835 is replaced by serine, an amino acid with dissimilar properties. This amino acid position is conserved. In addition, this alteration is predicted to be deleterious by in silico analysis. Based on the available evidence, the clinical significance of this variant remains unclear.